The following is an entry in ClinVar:

ClinVar aggregate classification (germline): Uncertain significance (1 of 4 stars; one submission).

Submission:

Labcorp Genetics (formerly Invitae), Labcorp
Classification: Uncertain significance. Last evaluated: 2022-06-04. Review status: criteria provided, single submitter. Criteria: Invitae Variant Classification Sherloc (09022015). Collection method: clinical testing. Allele origin: germline.
Comment: This sequence change falls in intron 2 of the CYP4V2 gene. It does not directly change the encoded amino acid sequence of the CYP4V2 protein. This variant is not present in population databases (gnomAD no frequency). This variant has not been reported in the literature in individuals affected with CYP4V2-related conditions. Algorithms developed to predict the effect of sequence changes on RNA splicing suggest that this variant may disrupt the consensus splice site. In summary, the available evidence is currently insufficient to determine the role of this variant in disease. Therefore, it has been classified as a Variant of Uncertain Significance.

NM_207352.4(CYP4V2):c.328-12del

Gene: CYP4V2 (cytochrome P450 family 4 subfamily V member 2; plus strand). Cytogenetic location: 4q35.1.
Variant type: Deletion.
Coding change: c.328-12del on transcript NM_207352.4 (MANE Select); 12 bases into the intron before coding-DNA position 328, one base deleted (T; older notation c.328-12delT).
Molecular consequence: intron variant.
Genome position (GRCh38, 1-based): chr4:186,195,991, T deleted; the last of 5 consecutive T bases (chr4:186,195,987-186,195,991); deleting any one gives the same sequence. VCF-style (leftmost placement, unchanged base first): chr4-186195986-GT-G. GRCh37 (hg19) VCF-style: chr4-187117140-GT-G.
Identifiers: ClinVar variation 1923649 (VCV001923649.5), dbSNP rs758103859, ClinGen allele CA3162519.